The following is an entry in ClinVar:

ClinVar aggregate classification (germline): Uncertain significance. Review status: criteria provided, multiple submitters, no conflicts (2 of 4 stars). 2 submissions from 2 submitters: Uncertain significance (2). Last evaluated 2025-12-17.

Allele frequency attached by ClinVar (database versions not stated): gnomAD 0.00001; gnomAD exomes 0.00001 and 0.00002; ExAC 0.00002; TOPMed 0.00002.
gnomAD v4.1: 17 of 1,613,068 alleles (0.0011%); highest among the groups gnomAD compares: South Asian, 0.0066%; no homozygotes.

Submissions (2):

Labcorp Genetics (formerly Invitae), Labcorp
Classification: Uncertain significance. Last evaluated: 2025-12-17. Review status: criteria provided, single submitter. Criteria: Invitae Variant Classification Sherloc (09022015). Collection method: clinical testing. Allele origin: germline.
Comment: This sequence change replaces arginine, which is basic and polar, with glutamine, which is neutral and polar, at codon 148 of the MAPKAPK3 protein (p.Arg148Gln). This variant is present in population databases (rs754225374, gnomAD 0.01%). This variant has not been reported in the literature in individuals affected with MAPKAPK3-related conditions. ClinVar contains an entry for this variant (Variation ID: 1513741). An algorithm developed to predict the effect of missense changes on protein structure and function (PolyPhen-2) suggests that this variant is likely to be tolerated. In summary, the available evidence is currently insufficient to determine the role of this variant in disease. Therefore, it has been classified as a Variant of Uncertain Significance.

Ambry Genetics
Classification: Uncertain significance. Last evaluated: 2025-08-22. Review status: criteria provided, single submitter. Criteria: Ambry Variant Classification Scheme 2023. Collection method: clinical testing. Allele origin: germline.

NM_001243925.2(MAPKAPK3):c.443G>A (p.Arg148Gln)

Gene: MAPKAPK3 (MAPK activated protein kinase 3; plus strand). Cytogenetic location: 3p21.2.
Variant type: single nucleotide variant.
Coding change: c.443G>A on transcript NM_001243925.2 (MANE Select); coding-DNA position 443, G replaced by A.
Protein change: p.Arg148Gln; replaces arginine 148 with glutamine.
Molecular consequence: missense variant.
Genome position (GRCh38, 1-based): chr3:50,642,271, G>A. VCF-style: chr3-50642271-G-A. GRCh37 (hg19) VCF-style: chr3-50679702-G-A.
Other names: c.443G>A (NM_004635.4); c.443G>A, p.Arg148Gln (NM_001243926.2, NM_004635.5); short protein forms R148Q.
Identifiers: ClinVar variation 1513741 (VCV001513741.9), dbSNP rs754225374, ClinGen allele CA2420266.